The following is an entry in ClinVar:

ClinVar aggregate classification (germline): Likely pathogenic (1 of 4 stars; one submission).

Conditions:
GNB5-related disorder. Also called: GNB5-related disorders; GNB5-related condition.

Allele frequency attached by ClinVar (database versions not stated): gnomAD exomes below 0.00001.
gnomAD v4.1: 2 of 1,611,340 alleles (0.00012%); highest among the groups gnomAD compares: Non-Finnish European, 0.00017%; no homozygotes.

Submission:

Greenwood Genetic Center Diagnostic Laboratories, Greenwood Genetic Center
Classification: Likely pathogenic for GNB5-related disorder. Last evaluated: 2023-10-24. Review status: criteria provided, single submitter. Criteria: ACMG Guidelines, 2015. Collection method: clinical testing. Allele origin: germline. Affected: yes.
Comment: PVS1, PM2

NM_016194.4(GNB5):c.375+1G>A

Gene: GNB5 (G protein subunit beta 5; minus strand). Cytogenetic location: 15q21.2.
Variant type: single nucleotide variant.
Coding change: c.375+1G>A on transcript NM_016194.4 (MANE Select); the canonical splice donor site of the intron after coding-DNA position 375, G replaced by A.
Molecular consequence: splice donor variant.
Genome position (GRCh38, 1-based): chr15:52,153,939, C>T on the plus strand (G>A on the coding strand, the complement: GNB5 is on the minus strand). VCF-style: chr15-52153939-C-T. GRCh37 (hg19) VCF-style: chr15-52446136-C-T.
Other names: c.249+1G>A (NM_006578.4); c.93+1G>A (NM_001379343.1).
Identifiers: ClinVar variation 2692565 (VCV002692565.1), dbSNP rs886041055, ClinGen allele CA392482301.